The following is an entry in ClinVar:

NM_177559.3(CSNK2A1):c.890C>G (p.Ala297Gly)

Gene: CSNK2A1 (casein kinase 2 alpha 1; minus strand). Cytogenetic location: 20p13.
Variant type: single nucleotide variant.
Coding change: c.890C>G on transcript NM_177559.3 (MANE Select); coding-DNA position 890, C replaced by G.
Protein change: p.Ala297Gly; replaces alanine 297 with glycine.
Molecular consequence: missense variant.
Genome position (GRCh38, 1-based): chr20:487,510, G>C on the plus strand (C>G on the coding strand, the complement: CSNK2A1 is on the minus strand). VCF-style: chr20-487510-G-C. GRCh37 (hg19) VCF-style: chr20-468154-G-C.
Other names: c.890C>G, p.Ala297Gly (NM_001362770.2, NM_001362771.2, NM_001895.4); c.482C>G, p.Ala161Gly (NM_177560.3); short protein forms A161G, A297G.
Identifiers: ClinVar variation 1699512 (VCV001699512.2), dbSNP rs2122506415, ClinGen allele CA407924714.

ClinVar aggregate classification (germline): Uncertain significance (1 of 4 stars; one submission).

Submission:

GeneDx
Classification: Uncertain significance. Last evaluated: 2022-01-28. Review status: criteria provided, single submitter. Criteria: GeneDx Variant Classification Process June 2021. Collection method: clinical testing. Allele origin: germline. Affected: yes.
Comment: Not observed at significant frequency in large population cohorts (gnomAD); In silico analysis supports that this missense variant has a deleterious effect on protein structure/function; Has not been previously published as pathogenic or benign to our knowledge